The following is an entry in ClinVar:

ClinVar aggregate classification (germline): Uncertain significance (1 of 4 stars; one submission).

Conditions:
T-cell immunodeficiency, congenital alopecia, and nail dystrophy. Also called: Congenital alopecia and nail dystrophy associated with severe functional T-cell immunodeficiency; Pignata Guarino syndrome. Identifiers: Orphanet 169095, MedGen C1866426, MONDO:0011132, OMIM 601705.

Allele frequency attached by ClinVar (database versions not stated): ExAC 0.00002; gnomAD 0.00002; gnomAD exomes 0.00004; TOPMed 0.00005.
gnomAD v4.1: 35 of 1,612,502 alleles (0.0022%); highest among the groups gnomAD compares: Admixed American, 0.01%; no homozygotes.

Submission:

Labcorp Genetics (formerly Invitae), Labcorp
Classification: Uncertain significance for T-cell immunodeficiency, congenital alopecia, and nail dystrophy. Last evaluated: 2022-07-06. Review status: criteria provided, single submitter. Criteria: Invitae Variant Classification Sherloc (09022015). Collection method: clinical testing. Allele origin: germline.
Comment: This sequence change replaces alanine, which is neutral and non-polar, with threonine, which is neutral and polar, at codon 108 of the FOXN1 protein (p.Ala108Thr). This variant is present in population databases (rs774400145, gnomAD 0.01%). This variant has not been reported in the literature in individuals affected with FOXN1-related conditions. ClinVar contains an entry for this variant (Variation ID: 859936). Algorithms developed to predict the effect of missense changes on protein structure and function output the following: SIFT: "Tolerated"; PolyPhen-2: "Benign"; Align-GVGD: "Class C0". The threonine amino acid residue is found in multiple mammalian species, which suggests that this missense change does not adversely affect protein function. In summary, the available evidence is currently insufficient to determine the role of this variant in disease. Therefore, it has been classified as a Variant of Uncertain Significance.

NM_001369369.1(FOXN1):c.322G>A (p.Ala108Thr)

Gene: FOXN1 (forkhead box N1; plus strand). Cytogenetic location: 17q11.2.
Variant type: single nucleotide variant.
Coding change: c.322G>A on transcript NM_001369369.1 (MANE Select); coding-DNA position 322, G replaced by A.
Protein change: p.Ala108Thr; replaces alanine 108 with threonine.
Molecular consequence: missense variant.
Genome position (GRCh38, 1-based): chr17:28,524,701, G>A. VCF-style: chr17-28524701-G-A. GRCh37 (hg19) VCF-style: chr17-26851719-G-A.
Other names: c.322G>A, p.Ala108Thr (NM_003593.3); short protein forms A108T.
Identifiers: ClinVar variation 859936 (VCV000859936.4), dbSNP rs774400145, ClinGen allele CA8459199.
Genomic context (GRCh38, chr17:28,524,701, plus strand): 5'-CCTGGGCCCTTCAGGCTCTCACCCTCAGACAAGTATCCTGGCTTTGGCTTTGAGGAGGCC[G>A]CAGCAAGCAGCCCTGGGCGATTCCTCAAGGGCAGCCACGCGCCCTTCCACCCGTACAAGC-3'
Protein context (NP_001356298.1, residues 98-118): KYPGFGFEEA[Ala108Thr]ASSPGRFLKG